The following is an entry in ClinVar:

NM_001267550.2(TTN):c.71104G>T (p.Gly23702Trp)

Genes: TTN (titin; minus strand), TTN-AS1 (TTN antisense RNA 1; plus strand). Cytogenetic location: 2q31.2.
Variant type: single nucleotide variant.
Coding change: c.71104G>T on transcript NM_001267550.2 (MANE Select); coding-DNA position 71104, G replaced by T.
Protein change: p.Gly23702Trp; replaces glycine 23702 with tryptophan.
Molecular consequence: missense variant.
Genome position (GRCh38, 1-based): chr2:178,575,028, C>A on the plus strand (G>T on the coding strand, the complement: TTN is on the minus strand). VCF-style: chr2-178575028-C-A. GRCh37 (hg19) VCF-style: chr2-179439755-C-A.
Other names: c.66181G>T, p.Gly22061Trp (NM_001256850.1); c.43909G>T, p.Gly14637Trp (NM_003319.4); c.63400G>T, p.Gly21134Trp (NM_133378.4); c.44284G>T, p.Gly14762Trp (NM_133432.3); c.44485G>T, p.Gly14829Trp (NM_133437.4); short protein forms G21134W, G23702W, G22061W, G14762W, G14829W, G14637W.
Identifiers: ClinVar variation 263588 (VCV000263588.15), dbSNP rs750853901, ClinGen allele CA1990679.

ClinVar aggregate classification (germline): Uncertain significance. Review status: criteria provided, multiple submitters, no conflicts (2 of 4 stars). 6 submissions from 6 submitters: Uncertain significance (6). Last evaluated 2026-09-16.

Conditions:
Cardiovascular phenotype. Identifiers: MedGen CN230736.
TTN-related disorder. Also called: TTN-related condition; TTN-related disease; TTN-related disorders.
Autosomal recessive limb-girdle muscular dystrophy type 2J (LGMDR10). Also called: MUSCULAR DYSTROPHY, LIMB-GIRDLE, AUTOSOMAL RECESSIVE 10; Limb-girdle muscular dystrophy, type 2J. Identifiers: Orphanet 140922, MedGen C1837342, MONDO:0012127, OMIM 608807.
Hypertrophic cardiomyopathy 9. Also called: Familial hypertrophic cardiomyopathy 9. Identifiers: MedGen C1861065, MONDO:0013412, OMIM 613765.
Early-onset myopathy with fatal cardiomyopathy (CMYO5). Also called: CONGENITAL MYOPATHY 5 WITH CARDIOMYOPATHY; Salih Myopathy. Identifiers: Orphanet 289377, MedGen C2673677, MONDO:0012714, OMIM 611705. Disease mechanism: loss of function.
Dilated cardiomyopathy 1G (CMD1G). Identifiers: Orphanet 154, MedGen C1858763, MONDO:0011400, OMIM 604145.
Myopathy, myofibrillar, 9, with early respiratory failure (MFM9). Also called: Myopathy, distal, with early respiratory failure, autosomal dominant; EDSTROM MYOPATHY; MYOPATHY, PROXIMAL, WITH EARLY RESPIRATORY MUSCLE INVOLVEMENT; Hereditary myopathy with early respiratory failure. Identifiers: Orphanet 178464, Orphanet 34521, MedGen C1863599, MONDO:0011362, OMIM 603689.
Tibial muscular dystrophy (TMD). Also called: Tibial muscular dystrophy, tardive; UDD MYOPATHY; Udd Distal Myopathy – Tibial Muscular Dystrophy. Identifiers: Orphanet 609, MedGen C1838244, MONDO:0010870, OMIM 600334.
Cardiomyopathy (CMYO). Also called: Cardiomyopathies. Identifiers: Orphanet 167848, MedGen C0878544, MONDO:0004994, HP:0001638. Inheritance: Various modes of inheritance.

Allele frequency attached by ClinVar (database versions not stated): ExAC 0.00003; gnomAD exomes 0.00004; gnomAD 0.00008 and 0.00009; TOPMed 0.00010.

Submissions (6):

PreventionGenetics, part of Exact Sciences
Classification: Uncertain significance for TTN-related condition. Last evaluated: 2026-09-16. Review status: criteria provided, single submitter. Criteria: ACMG Guidelines, 2015. Collection method: clinical testing. Allele origin: germline.
Comment: The TTN c.71104G>T variant is predicted to result in the amino acid substitution p.Gly23702Trp. To our knowledge, this variant has not been reported in the literature. This variant was reported in 0.0083% of alleles in individuals of African descent in gnomAD v2. However, in gnomAD v4 (available only on GRCh38), this variant is reported in 181 alleles. This population data is not consistent with this variant being a primary cause of disease. Although we suspect that this variant may be benign, at this time, the clinical significance of this variant is uncertain due to the absence of conclusive functional and genetic evidence.

Revvity Omics, Revvity
Classification: Uncertain significance. Last evaluated: 2022-08-12. Review status: criteria provided, single submitter. Criteria: ACMG Guidelines, 2015. Collection method: clinical testing. Allele origin: germline.

Fulgent Genetics
Classification: Uncertain significance for Tibial muscular dystrophy; Myopathy, myofibrillar, 9, with early respiratory failure; Dilated cardiomyopathy 1G; Autosomal recessive limb-girdle muscular dystrophy type 2J; Early-onset myopathy with fatal cardiomyopathy; Hypertrophic cardiomyopathy 9. Last evaluated: 2021-11-02. Review status: criteria provided, single submitter. Criteria: ACMG Guidelines, 2015. Collection method: clinical testing. Allele origin: unknown.

CHEO Genetics Diagnostic Laboratory, Children's Hospital of Eastern Ontario
Classification: Uncertain significance for Cardiomyopathy. Last evaluated: 2021-10-13. Review status: criteria provided, single submitter. Criteria: ACMG Guidelines, 2015. Collection method: clinical testing. Allele origin: germline. Study: Canadian Open Genetics Repository.

Eurofins Ntd Llc (ga)
Classification: Uncertain significance. Last evaluated: 2015-09-10. Review status: criteria provided, single submitter. Criteria: EGL Classification Definitions 2015. Collection method: clinical testing. Allele origin: germline. Observed: 3 variant alleles, 3 heterozygotes.

Ambry Genetics
Classification: Uncertain significance for Cardiovascular phenotype. Last evaluated: 2013-04-25. Review status: criteria provided, single submitter. Criteria: Ambry Autosomal Dominant and X-Linked criteria (10/2015). Collection method: clinical testing. Allele origin: germline. Observed: 1 variant allele.
Comment: There is insufficient or conflicting evidence for classification of this alteration.